The following is an entry in ClinVar:

ClinVar aggregate classification (germline): Uncertain significance (1 of 4 stars; one submission).

Allele frequency attached by ClinVar (database versions not stated): gnomAD exomes below 0.00001; gnomAD 0.00001.
gnomAD v4.1: 3 of 1,613,662 alleles (0.00019%); highest among the groups gnomAD compares: Admixed American, 0.0017%; no homozygotes.

Submission:

GeneDx
Classification: Uncertain significance. Last evaluated: 2023-02-09. Review status: criteria provided, single submitter. Criteria: GeneDx Variant Classification Process June 2021. Collection method: clinical testing. Allele origin: germline. Affected: yes.
Comment: Not observed at significant frequency in large population cohorts (gnomAD); In silico analysis supports that this missense variant has a deleterious effect on protein structure/function; Has not been previously published as pathogenic or benign to our knowledge

NM_133443.4(GPT2):c.1036G>A (p.Glu346Lys)

Gene: GPT2 (glutamic--pyruvic transaminase 2; plus strand). Cytogenetic location: 16q11.2.
Variant type: single nucleotide variant.
Coding change: c.1036G>A on transcript NM_133443.4 (MANE Select); coding-DNA position 1036, G replaced by A.
Protein change: p.Glu346Lys; replaces glutamic acid 346 with lysine.
Molecular consequence: missense variant.
Genome position (GRCh38, 1-based): chr16:46,918,756, G>A. VCF-style: chr16-46918756-G-A. GRCh37 (hg19) VCF-style: chr16-46952668-G-A.
Other names: c.736G>A, p.Glu246Lys (NM_001142466.3); short protein forms E246K, E346K.
Identifiers: ClinVar variation 1695575 (VCV001695575.2), dbSNP rs1200311071, ClinGen allele CA395785090.
Genomic context (GRCh38, chr16:46,918,756, plus strand): 5'-GAGTACTCCAGCAACGTGGAGCTCGCCTCCTTCCACTCCACCTCCAAGGGCTACATGGGC[G>A]AGTACGTGGGCCTCCCTTCCCTCTGCCACTGCTGGGCCTGCCAGATCCTCACGCTGCCGG-3'
Protein context (NP_597700.1, residues 336-356): FHSTSKGYMG[Glu346Lys]CGYRGGYMEV